The following is an entry in ClinVar:

ClinVar aggregate classification (germline): Pathogenic. Review status: criteria provided, single submitter (1 of 4 stars). 2 submissions from 2 submitters: Pathogenic (1). 1 of the submissions does not count toward it. Last evaluated 2024-03-26.

Conditions:
Neurofibromatosis, type 1 (NF1). Also called: Neurofibromatosis, type I; VON RECKLINGHAUSEN DISEASE; Peripheral type neurofibromatosis; NEUROFIBROMATOSIS, TYPE I, SOMATIC. Identifiers: Orphanet 636, MedGen C0027831, MONDO:0018975, OMIM 162200. Disease mechanism: loss of function.

Submissions (2):

Labcorp Genetics (formerly Invitae), Labcorp
Classification: Pathogenic for Neurofibromatosis, type 1. Last evaluated: 2024-03-26. Review status: criteria provided, single submitter. Criteria: Invitae Variant Classification Sherloc (09022015). Collection method: clinical testing. Allele origin: germline.
Comment: This sequence change replaces lysine, which is basic and polar, with glutamic acid, which is acidic and polar, at codon 476 of the NF1 protein (p.Lys476Glu). This variant is not present in population databases (gnomAD no frequency). This missense change has been observed in individual(s) with neurofibromatosis type 1 (PMID: 30308447). In at least one individual the variant was observed to be de novo. ClinVar contains an entry for this variant (Variation ID: 848259). Advanced modeling of protein sequence and biophysical properties (such as structural, functional, and spatial information, amino acid conservation, physicochemical variation, residue mobility, and thermodynamic stability) performed at Invitae indicates that this missense variant is expected to disrupt NF1 protein function with a positive predictive value of 95%. For these reasons, this variant has been classified as Pathogenic.

Laboratory of Medical Genetics, National & Kapodistrian University of Athens
Classification: Likely pathogenic for Neurofibromatosis, type 1. Last evaluated: 2019-01-01. Review status: no assertion criteria provided. Collection method: clinical testing. Allele origin: germline. Affected: yes. Not counted in ClinVar's aggregate classification.

Literature cited by the submitters: PubMed 30308447 (cited by Labcorp Genetics (formerly Invitae), Labcorp).

NM_001042492.3(NF1):c.1426A>G (p.Lys476Glu)

Gene: NF1 (neurofibromin 1; plus strand). Cytogenetic location: 17q11.2.
Variant type: single nucleotide variant.
Coding change: c.1426A>G on transcript NM_001042492.3 (MANE Select); coding-DNA position 1426, A replaced by G.
Protein change: p.Lys476Glu; replaces lysine 476 with glutamic acid.
Molecular consequence: missense variant.
Genome position (GRCh38, 1-based): chr17:31,214,484, A>G. VCF-style: chr17-31214484-A-G. GRCh37 (hg19) VCF-style: chr17-29541502-A-G.
Other names: c.1426A>G, p.Lys476Glu (NM_000267.4, NM_001128147.3); short protein forms K476E.
Identifiers: ClinVar variation 848259 (VCV000848259.7), dbSNP rs2066785949, ClinGen allele CA399001483.